The following is an entry in ClinVar:

ClinVar aggregate classification (germline): Uncertain significance (1 of 4 stars; one submission).

Allele frequency attached by ClinVar (database versions not stated): ExAC 0.00001.
gnomAD v4.1: 3 of 1,611,264 alleles (0.00019%); highest among the groups gnomAD compares: African/African-American, 0.0013%; no homozygotes.

Submission:

Labcorp Genetics (formerly Invitae), Labcorp
Classification: Uncertain significance. Last evaluated: 2022-09-19. Review status: criteria provided, single submitter. Criteria: Invitae Variant Classification Sherloc (09022015). Collection method: clinical testing. Allele origin: germline.
Comment: This variant is present in population databases (rs759085579, gnomAD 0.007%). In summary, the available evidence is currently insufficient to determine the role of this variant in disease. Therefore, it has been classified as a Variant of Uncertain Significance. Variants that disrupt the consensus splice site are a relatively common cause of aberrant splicing (PMID: 17576681, 9536098). Algorithms developed to predict the effect of sequence changes on RNA splicing suggest that this variant is not likely to affect RNA splicing. ClinVar contains an entry for this variant (Variation ID: 1506441). This variant has not been reported in the literature in individuals affected with PAX3-related conditions. This sequence change falls in intron 2 of the PAX3 gene. It does not directly change the encoded amino acid sequence of the PAX3 protein. It affects a nucleotide within the consensus splice site.

Literature cited by the submitters: PubMed 17576681; PubMed 9536098.

NM_181458.4(PAX3):c.321+3G>A

Gene: PAX3 (paired box 3; minus strand). Cytogenetic location: 2q36.1.
Variant type: single nucleotide variant.
Coding change: c.321+3G>A on transcript NM_181458.4 (MANE Select); 3 bases into the intron after coding-DNA position 321, G replaced by A.
Molecular consequence: intron variant.
Genome position (GRCh38, 1-based): chr2:222,296,975, C>T on the plus strand (G>A on the coding strand, the complement: PAX3 is on the minus strand). VCF-style: chr2-222296975-C-T. GRCh37 (hg19) VCF-style: chr2-223161694-C-T.
Other names: c.321+3G>A (NM_001127366.3, NM_181460.4, NM_181461.4 and 4 more transcripts).
Identifiers: ClinVar variation 1506441 (VCV001506441.6), dbSNP rs759085579, ClinGen allele CA2135786.